The following is an entry in ClinVar:

ClinVar aggregate classification (germline): Uncertain significance (1 of 4 stars; one submission).

Allele frequency attached by ClinVar (database versions not stated): gnomAD exomes below 0.00001.
gnomAD v4.1: 1 of 1,614,120 alleles (0.000062%); highest among the groups gnomAD compares: East Asian, 0.0022%; no homozygotes.

Submission:

Labcorp Genetics (formerly Invitae), Labcorp
Classification: Uncertain significance. Last evaluated: 2023-02-04. Review status: criteria provided, single submitter. Criteria: Invitae Variant Classification Sherloc (09022015). Collection method: clinical testing. Allele origin: germline.
Comment: In summary, the available evidence is currently insufficient to determine the role of this variant in disease. Therefore, it has been classified as a Variant of Uncertain Significance. Advanced modeling of protein sequence and biophysical properties (such as structural, functional, and spatial information, amino acid conservation, physicochemical variation, residue mobility, and thermodynamic stability) performed at Invitae indicates that this missense variant is not expected to disrupt KMT2A protein function. This sequence change replaces isoleucine, which is neutral and non-polar, with valine, which is neutral and non-polar, at codon 2965 of the KMT2A protein (p.Ile2965Val). This variant is not present in population databases (gnomAD no frequency). This variant has not been reported in the literature in individuals affected with KMT2A-related conditions.

NM_001197104.2(KMT2A):c.8893A>G (p.Ile2965Val)

Gene: KMT2A (lysine methyltransferase 2A; plus strand). Cytogenetic location: 11q23.3.
Variant type: single nucleotide variant.
Coding change: c.8893A>G on transcript NM_001197104.2 (MANE Select); coding-DNA position 8893, A replaced by G.
Protein change: p.Ile2965Val; replaces isoleucine 2965 with valine.
Molecular consequence: missense variant.
Genome position (GRCh38, 1-based): chr11:118,504,785, A>G. VCF-style: chr11-118504785-A-G. GRCh37 (hg19) VCF-style: chr11-118375500-A-G.
Other names: c.8983A>G, p.Ile2995Val (NM_001412597.1); c.8884A>G, p.Ile2962Val (NM_005933.4); short protein forms I2965V, I2962V, I2995V.
Identifiers: ClinVar variation 2972058 (VCV002972058.3), dbSNP rs1950553646, ClinGen allele CA382816959.